The following is an entry in ClinVar:

ClinVar aggregate classification (germline): Benign (1 of 4 stars; one submission).

Conditions:
Peutz-Jeghers syndrome (PJS). Also called: POLYPOSIS, HAMARTOMATOUS INTESTINAL; POLYPS-AND-SPOTS SYNDROME; Peutz-Jeghers polyposis; Periorificial lentiginosis syndrome. Identifiers: Orphanet 2869, MedGen C0031269, MeSH D010580, MONDO:0008280, OMIM 175200.

Submission:

Myriad Genetics, Inc.
Classification: Benign for Peutz-Jeghers syndrome. Last evaluated: 2025-03-31. Review status: criteria provided, single submitter. Criteria: Myriad Autosomal Dominant, Autosomal Recessive and X-Linked Classification Criteria (2023). Collection method: clinical testing. Allele origin: unknown.
Comment: This variant is considered benign. This variant occurs in the non-coding 3' untranslated region of the gene, and is not expected to impact protein function.

NM_000455.5(STK11):c.*9G>C

Gene: STK11 (serine/threonine kinase 11; plus strand). Cytogenetic location: 19p13.3.
Variant type: single nucleotide variant.
Coding change: c.*9G>C on transcript NM_000455.5 (MANE Select); 9 bases downstream of the stop codon, G replaced by C.
Molecular consequence: 3 prime UTR variant. On other transcripts: non-coding transcript variant (1).
Genome position (GRCh38, 1-based): chr19:1,226,656, G>C. VCF-style: chr19-1226656-G-C. GRCh37 (hg19) VCF-style: chr19-1226655-G-C.
Identifiers: ClinVar variation 3903504 (VCV003903504.1).